The following is an entry in ClinVar:

ClinVar aggregate classification (germline): Uncertain significance (1 of 4 stars; one submission).

Allele frequency attached by ClinVar (database versions not stated): ExAC 0.00001; gnomAD exomes 0.00001.
gnomAD v4.1: 8 of 1,613,144 alleles (0.0005%); highest among the groups gnomAD compares: Non-Finnish European, 0.00059%; no homozygotes.

Submission:

Labcorp Genetics (formerly Invitae), Labcorp
Classification: Uncertain significance. Last evaluated: 2022-10-05. Review status: criteria provided, single submitter. Criteria: Invitae Variant Classification Sherloc (09022015). Collection method: clinical testing. Allele origin: germline.
Comment: In summary, the available evidence is currently insufficient to determine the role of this variant in disease. Therefore, it has been classified as a Variant of Uncertain Significance. Advanced modeling of protein sequence and biophysical properties (such as structural, functional, and spatial information, amino acid conservation, physicochemical variation, residue mobility, and thermodynamic stability) performed at Invitae indicates that this missense variant is not expected to disrupt NEDD4L protein function. This variant has not been reported in the literature in individuals affected with NEDD4L-related conditions. This variant is present in population databases (rs756501638, gnomAD 0.0009%). This sequence change replaces alanine, which is neutral and non-polar, with threonine, which is neutral and polar, at codon 436 of the NEDD4L protein (p.Ala436Thr).

NM_001144967.3(NEDD4L):c.1366G>A (p.Ala456Thr)

Gene: NEDD4L (NEDD4 like E3 ubiquitin protein ligase; plus strand). Cytogenetic location: 18q21.31.
Variant type: single nucleotide variant.
Coding change: c.1366G>A on transcript NM_001144967.3 (MANE Select); coding-DNA position 1366, G replaced by A.
Protein change: p.Ala456Thr; replaces alanine 456 with threonine.
Molecular consequence: missense variant.
Genome position (GRCh38, 1-based): chr18:58,341,786, G>A. VCF-style: chr18-58341786-G-A. GRCh37 (hg19) VCF-style: chr18-56009018-G-A.
Other names: c.1003G>A, p.Ala335Thr (NM_001144964.1, NM_001144965.2, NM_001144966.3); c.1342G>A, p.Ala448Thr (NM_001144968.2); c.1282G>A, p.Ala428Thr (NM_001144969.2); c.943G>A, p.Ala315Thr (NM_001144970.3, NM_001144971.2); c.1174G>A, p.Ala392Thr (NM_001243960.2); c.1306G>A, p.Ala436Thr (NM_015277.6); short protein forms A335T, A456T, A392T, A428T, A436T, A448T, A315T.
Identifiers: ClinVar variation 2138843 (VCV002138843.4), dbSNP rs756501638, ClinGen allele CA8975662.